The following is an entry in ClinVar:

NM_006059.4(LAMC3):c.1865C>T (p.Pro622Leu)

Gene: LAMC3 (laminin subunit gamma 3; plus strand). Cytogenetic location: 9q34.12.
Variant type: single nucleotide variant.
Coding change: c.1865C>T on transcript NM_006059.4 (MANE Select); coding-DNA position 1865, C replaced by T.
Protein change: p.Pro622Leu; replaces proline 622 with leucine.
Molecular consequence: missense variant.
Genome position (GRCh38, 1-based): chr9:131,052,891, C>T. VCF-style: chr9-131052891-C-T. GRCh37 (hg19) VCF-style: chr9-133928278-C-T.
Other names: short protein forms P622L.
Identifiers: ClinVar variation 1304998 (VCV001304998.2), dbSNP rs142041428, ClinGen allele CA5287251.

ClinVar aggregate classification (germline): Uncertain significance (1 of 4 stars; one submission).

gnomAD v4.1: 7 of 1,614,030 alleles (0.00043%); highest among the groups gnomAD compares: Middle Eastern, 0.016%; no homozygotes.

Submission:

GeneDx
Classification: Uncertain significance. Last evaluated: 2019-04-11. Review status: criteria provided, single submitter. Criteria: GeneDx Variant Classification Process June 2021. Collection method: clinical testing. Allele origin: germline. Affected: yes.
Comment: Not observed at a significant frequency in large population cohorts (Lek et al., 2016); In silico analysis, which includes protein predictors and evolutionary conservation, supports that this variant does not alter protein structure/function; Has not been previously published as pathogenic or benign to our knowledge